The following is an entry in ClinVar:

NM_001605.3(AARS1):c.974G>A (p.Arg325Lys)

Gene: AARS1 (alanyl-tRNA synthetase 1; minus strand). Cytogenetic location: 16q22.1.
Variant type: single nucleotide variant.
Coding change: c.974G>A on transcript NM_001605.3 (MANE Select); coding-DNA position 974, G replaced by A.
Protein change: p.Arg325Lys; replaces arginine 325 with lysine.
Molecular consequence: missense variant.
Genome position (GRCh38, 1-based): chr16:70,268,368, C>T on the plus strand (G>A on the coding strand, the complement: AARS1 is on the minus strand). VCF-style: chr16-70268368-C-T. GRCh37 (hg19) VCF-style: chr16-70302271-C-T.
Other names: short protein forms R325K.
Identifiers: ClinVar variation 5017838 (VCV005017838.1).

ClinVar aggregate classification (germline): Uncertain significance (1 of 4 stars; one submission).

gnomAD v4.1: 3 of 1,614,130 alleles (0.00019%); highest among the groups gnomAD compares: East Asian, 0.0022%; no homozygotes.

Submission:

GeneDx
Classification: Uncertain significance. Last evaluated: 2026-03-31. Review status: criteria provided, single submitter. Criteria: GeneDx Variant Classification Process June 2021. Collection method: clinical testing. Allele origin: germline.
Comment: Not observed at significant frequency in large population cohorts (gnomAD); In silico analysis supports that this missense variant has a deleterious effect on protein structure/function; Has not been previously published as pathogenic or benign to our knowledge; This variant is associated with the following publications: (PMID: 25817015)